The following is an entry in ClinVar:

ClinVar aggregate classification (germline): Uncertain significance (1 of 4 stars; one submission).

Conditions:
Pulmonary fibrosis and/or bone marrow failure, Telomere-related, 3. Also called: PULMONARY FIBROSIS AND/OR BONE MARROW FAILURE SYNDROME, TELOMERE-RELATED, 3. Identifiers: Orphanet 2032, MedGen C4225346, MONDO:0014613, OMIM 616373.
Dyskeratosis congenita, autosomal recessive 5 (DKCB5). Identifiers: MedGen C3554656, MONDO:0014076, OMIM 615190.

Allele frequency attached by ClinVar (database versions not stated): TOPMed 0.00002.
gnomAD v4.1: 3 of 1,613,970 alleles (0.00019%); highest among the groups gnomAD compares: African/African-American, 0.0013%; no homozygotes.

Submission:

Labcorp Genetics (formerly Invitae), Labcorp
Classification: Uncertain significance for Dyskeratosis congenita, autosomal recessive 5; Pulmonary fibrosis and/or bone marrow failure, Telomere-related, 3. Last evaluated: 2024-08-07. Review status: criteria provided, single submitter. Criteria: Invitae Variant Classification Sherloc (09022015). Collection method: clinical testing. Allele origin: germline.
Comment: This sequence change falls in intron 4 of the RTEL1 gene. It does not directly change the encoded amino acid sequence of the RTEL1 protein. This variant is present in population databases (no rsID available, gnomAD 0.007%). This variant has not been reported in the literature in individuals affected with RTEL1-related conditions. ClinVar contains an entry for this variant (Variation ID: 2161392). Algorithms developed to predict the effect of sequence changes on RNA splicing suggest that this variant may disrupt the consensus splice site. In summary, the available evidence is currently insufficient to determine the role of this variant in disease. Therefore, it has been classified as a Variant of Uncertain Significance.

NM_001283009.2(RTEL1):c.396-8C>G

Genes: RTEL1 (regulator of telomere elongation helicase 1; plus strand), RTEL1-TNFRSF6B (RTEL1-TNFRSF6B readthrough (NMD candidate); plus strand). Cytogenetic location: 20q13.33.
Variant type: single nucleotide variant.
Coding change: c.396-8C>G on transcript NM_001283009.2 (MANE Select); 8 bases into the intron before coding-DNA position 396, C replaced by G.
Molecular consequence: intron variant. On other transcripts: missense variant (1).
Genome position (GRCh38, 1-based): chr20:63,662,538, C>G. VCF-style: chr20-63662538-C-G. GRCh37 (hg19) VCF-style: chr20-62293891-C-G.
Other names: c.460C>G, p.Pro154Ala (NM_032957.5); c.-274-8C>G (NM_001283010.1); c.396-8C>G (NM_016434.4); short protein forms P154A.
Identifiers: ClinVar variation 2161392 (VCV002161392.3), dbSNP rs376116171, ClinGen allele CA409669439.
Genomic context (GRCh38, chr20:63,662,538, plus strand): 5'-CGCTGCAGGGCCACGCTGTGGGTGTTGGAGACAGCTCCTCCTCGACCCACGGTGCTCTCT[C>G]CCACCAGGCCTAAGGTGTGTGTGCTGGGCTCCCGGGAGCAGCTGTGCATCCATCCTGAGG-3'